The following is an entry in ClinVar:

NM_005357.4(LIPE):c.63T>C (p.Pro21=)

Genes: LIPE (lipase E, hormone sensitive type; minus strand), LIPE-AS1 (LIPE antisense RNA 1; plus strand). Cytogenetic location: 19q13.2.
Variant type: single nucleotide variant.
Coding change: c.63T>C on transcript NM_005357.4 (MANE Select); coding-DNA position 63, T replaced by C.
Protein change: p.Pro21=; no amino-acid change (proline 21 retained).
Molecular consequence: synonymous variant.
Genome position (GRCh38, 1-based): chr19:42,427,087, A>G on the plus strand (T>C on the coding strand, the complement: LIPE is on the minus strand). VCF-style: chr19-42427087-A-G. GRCh37 (hg19) VCF-style: chr19-42931239-A-G.
Identifiers: ClinVar variation 3357216 (VCV003357216.1).
Genomic context (GRCh38, chr19:42,427,087, plus strand): 5'-AGTCTTCGATTCTGGCTGGGCTATGGGTGTCTTTTCTGGCCCAGGCTCTAGCGGGGTTAT[A>G]GGCCTCTGGTGTGGTTCAGGTTGCCAGTCTGACCTAGACACTGACTTAGAACCTGGCTCC-3'
Protein context (NP_005348.2, residues 11-31): SDWQPEPHQR[Pro21=]ITPLEPGPEK

ClinVar aggregate classification (germline): Likely benign (0 of 4 stars; one submission).

Conditions:
LIPE-related disorder. Also called: LIPE-related condition.

Submission:

PreventionGenetics, part of Exact Sciences
Classification: Likely benign for LIPE-related condition. Last evaluated: 2019-08-22. Review status: no assertion criteria provided. Collection method: clinical testing. Allele origin: germline.
Comment: This variant is classified as likely benign based on ACMG/AMP sequence variant interpretation guidelines (Richards et al. 2015 PMID: 25741868, with internal and published modifications).